The following is an entry in ClinVar:

ClinVar aggregate classification (germline): Uncertain significance (1 of 4 stars; one submission).

Conditions:
Papillon-Lefèvre syndrome (PALS). Also called: KERATOSIS PALMOPLANTARIS WITH PERIODONTOPATHIA; Papillon-Lefevre Disease. Identifiers: Orphanet 678, MedGen C0030360, MONDO:0009490, OMIM 245000.
Periodontitis, aggressive. Identifiers: MedGen C0031106, MONDO:0980757.
Haim-Munk syndrome (HMS). Also called: COCHIN JEWISH DISORDER; KERATOSIS PALMOPLANTARIS WITH PERIODONTOPATHIA AND ONYCHOGRYPOSIS. Identifiers: Orphanet 2342, MedGen C1855627, MONDO:0009491, OMIM 245010.

Allele frequency attached by ClinVar (database versions not stated): gnomAD exomes below 0.00001.
gnomAD v4.1: 1 of 1,614,026 alleles (0.000062%); highest among the groups gnomAD compares: Non-Finnish European, 0.000085%; no homozygotes.

Submission:

Labcorp Genetics (formerly Invitae), Labcorp
Classification: Uncertain significance for Haim-Munk syndrome; Periodontitis, aggressive; Papillon-Lefèvre syndrome. Last evaluated: 2022-06-27. Review status: criteria provided, single submitter. Criteria: Invitae Variant Classification Sherloc (09022015). Collection method: clinical testing. Allele origin: germline.
Comment: In summary, the available evidence is currently insufficient to determine the role of this variant in disease. Therefore, it has been classified as a Variant of Uncertain Significance. Algorithms developed to predict the effect of missense changes on protein structure and function are either unavailable or do not agree on the potential impact of this missense change (SIFT: "Not Available"; PolyPhen-2: "Probably Damaging"; Align-GVGD: "Not Available"). This variant has not been reported in the literature in individuals affected with CTSC-related conditions. This variant is not present in population databases (gnomAD no frequency). This sequence change replaces isoleucine, which is neutral and non-polar, with threonine, which is neutral and polar, at codon 450 of the CTSC protein (p.Ile450Thr).

NM_001814.6(CTSC):c.1349T>C (p.Ile450Thr)

Gene: CTSC (cathepsin C; minus strand). Cytogenetic location: 11q14.2.
Variant type: single nucleotide variant.
Coding change: c.1349T>C on transcript NM_001814.6 (MANE Select); coding-DNA position 1349, T replaced by C.
Protein change: p.Ile450Thr; replaces isoleucine 450 with threonine.
Molecular consequence: missense variant.
Genome position (GRCh38, 1-based): chr11:88,294,049, A>G on the plus strand (T>C on the coding strand, the complement: CTSC is on the minus strand). VCF-style: chr11-88294049-A-G. GRCh37 (hg19) VCF-style: chr11-88027217-A-G.
Other names: short protein forms I450T.
Identifiers: ClinVar variation 1486821 (VCV001486821.8), dbSNP rs1190457238, ClinGen allele CA382021334.